The following is an entry in ClinVar:

ClinVar aggregate classification (germline): Conflicting classifications of pathogenicity. Review status: criteria provided, conflicting classifications (1 of 4 stars). 4 submissions from 4 submitters: Uncertain significance (1); Likely benign (1). 2 of the submissions do not count toward it. Last evaluated 2025-12-16.

Allele frequency attached by ClinVar (database versions not stated): 1000 Genomes Project 30x 0.00016; 1000 Genomes Project 0.00020; ESP Exome Variant Server 0.00033; ExAC 0.00048; gnomAD exomes 0.00064 and 0.00081; gnomAD 0.00074 and 0.00076; TOPMed 0.00074.
gnomAD v4.1: 1,274 of 1,613,960 alleles (0.079%); highest among the groups gnomAD compares: Non-Finnish European, 0.1%; 2 homozygotes.

Submissions (4):

Labcorp Genetics (formerly Invitae), Labcorp
Classification: Uncertain significance. Last evaluated: 2025-12-16. Review status: criteria provided, single submitter. Criteria: Invitae Variant Classification Sherloc (09022015). Collection method: clinical testing. Allele origin: germline.
Comment: This sequence change replaces valine, which is neutral and non-polar, with isoleucine, which is neutral and non-polar, at codon 912 of the FAT1 protein (p.Val912Ile). This variant is present in population databases (rs200097846, gnomAD 0.1%), and has an allele count higher than expected for a pathogenic variant. This variant has not been reported in the literature in individuals affected with FAT1-related conditions. ClinVar contains an entry for this variant (Variation ID: 1284996). Invitae Evidence Modeling of protein sequence and biophysical properties (such as structural, functional, and spatial information, amino acid conservation, physicochemical variation, residue mobility, and thermodynamic stability) indicates that this missense variant is not expected to disrupt FAT1 protein function with a negative predictive value of 80%. In summary, the available evidence is currently insufficient to determine the role of this variant in disease. Therefore, it has been classified as a Variant of Uncertain Significance.

CeGaT Center for Human Genetics Tuebingen
Classification: Likely benign. Last evaluated: 2023-08-01. Review status: criteria provided, single submitter. Criteria: CeGaT Center For Human Genetics Tuebingen Variant Classification Criteria Version 2. Collection method: clinical testing. Allele origin: germline. Affected: yes. Observed: 2 variant alleles.
Comment: FAT1: BP4

Clinical Genetics DNA and cytogenetics Diagnostics Lab, Erasmus MC, Erasmus Medical Center
Classification: Likely benign. Review status: no assertion criteria provided. Collection method: clinical testing. Allele origin: germline. Affected: yes. Study: VKGL Data-share Consensus. Not counted in ClinVar's aggregate classification.

Genome Diagnostics Laboratory, University Medical Center Utrecht
Classification: Likely benign. Review status: no assertion criteria provided. Collection method: clinical testing. Allele origin: germline. Affected: yes. Study: VKGL Data-share Consensus. Not counted in ClinVar's aggregate classification.

NM_005245.4(FAT1):c.2734G>A (p.Val912Ile)

Gene: FAT1 (FAT atypical cadherin 1; minus strand). Cytogenetic location: 4q35.2.
Variant type: single nucleotide variant.
Coding change: c.2734G>A on transcript NM_005245.4 (MANE Select); coding-DNA position 2734, G replaced by A.
Protein change: p.Val912Ile; replaces valine 912 with isoleucine.
Molecular consequence: missense variant.
Genome position (GRCh38, 1-based): chr4:186,707,094, C>T on the plus strand (G>A on the coding strand, the complement: FAT1 is on the minus strand). VCF-style: chr4-186707094-C-T. GRCh37 (hg19) VCF-style: chr4-187628248-C-T.
Other names: short protein forms V912I.
Identifiers: ClinVar variation 1284996 (VCV001284996.30), dbSNP rs200097846, ClinGen allele CA3167188.